The following is an entry in ClinVar:

ClinVar aggregate classification (germline): Uncertain significance (1 of 4 stars; one submission).

Conditions:
Insulin-dependent diabetes mellitus secretory diarrhea syndrome (IPEX). Also called: Immunodysregulation, polyendocrinopathy, and enteropathy, X-linked; Immunodeficiency, Polyendocrinopathy, and Enteropathy X-Linked Syndrome; X-Linked Syndrome of Polyendocrinopathy, Immune Dysfunction, and Diarrhea; DIABETES MELLITUS, CONGENITAL INSULIN-DEPENDENT, WITH FATAL SECRETORY DIARRHEA; DIARRHEA, POLYENDOCRINOPATHY, FATAL INFECTION SYNDROME, X-LINKED; ENTEROPATHY, AUTOIMMUNE, WITH HEMOLYTIC ANEMIA AND POLYENDOCRINOPATHY. Identifiers: Orphanet 37042, MedGen C0342288, MONDO:0010580, OMIM 304790. Disease mechanism: loss of function.

Submission:

Labcorp Genetics (formerly Invitae), Labcorp
Classification: Uncertain significance for Insulin-dependent diabetes mellitus secretory diarrhea syndrome. Last evaluated: 2026-02-01. Review status: criteria provided, single submitter. Criteria: Invitae Variant Classification Sherloc (09022015). Collection method: clinical testing. Allele origin: germline.
Comment: This sequence change replaces methionine, which is neutral and non-polar, with isoleucine, which is neutral and non-polar, at codon 328 of the FOXP3 protein (p.Met328Ile). This variant is not present in population databases (gnomAD no frequency). This variant has not been reported in the literature in individuals affected with FOXP3-related conditions. Invitae Evidence Modeling of protein sequence and biophysical properties (such as structural, functional, and spatial information, amino acid conservation, physicochemical variation, residue mobility, and thermodynamic stability) indicates that this missense variant is not expected to disrupt FOXP3 protein function with a negative predictive value of 80%. In summary, the available evidence is currently insufficient to determine the role of this variant in disease. Therefore, it has been classified as a Variant of Uncertain Significance.

NM_014009.4(FOXP3):c.984G>T (p.Met328Ile)

Gene: FOXP3 (forkhead box P3; minus strand). Cytogenetic location: Xp11.23.
Variant type: single nucleotide variant.
Coding change: c.984G>T on transcript NM_014009.4 (MANE Select); coding-DNA position 984, G replaced by T.
Protein change: p.Met328Ile; replaces methionine 328 with isoleucine.
Molecular consequence: missense variant.
Genome position (GRCh38, 1-based): chrX:49,253,186, C>A on the plus strand (G>T on the coding strand, the complement: FOXP3 is on the minus strand). VCF-style: chrX-49253186-C-A. GRCh37 (hg19) VCF-style: chrX-49109647-C-A.
Other names: c.879G>T, p.Met293Ile (NM_001114377.2); short protein forms M293I, M328I.
Identifiers: ClinVar variation 4742993 (VCV004742993.1).
Genomic context (GRCh38, chrX:49,253,186, plus strand): 5'-CCAGCGGATGAGCGTGGCGTAGGTGAAAGGGGGTCGCATGTTGTGGAACTTGAAGTAGTC[C>A]ATGTTGTGGAGGAACTCTGTCAGAGGGTGGGGATGAATCAAGCCCCATGCAGGACCTCCT-3'
Protein context (NP_054728.2, residues 318-338): NSTFPEFLHN[Met328Ile]DYFKFHNMRP